The following is an entry in ClinVar:

NM_006734.4(HIVEP2):c.4631T>C (p.Leu1544Pro)

Gene: HIVEP2 (HIVEP zinc finger 2; minus strand). Cytogenetic location: 6q24.2.
Variant type: single nucleotide variant.
Coding change: c.4631T>C on transcript NM_006734.4 (MANE Select); coding-DNA position 4631, T replaced by C.
Protein change: p.Leu1544Pro; replaces leucine 1544 with proline.
Molecular consequence: missense variant.
Genome position (GRCh38, 1-based): chr6:142,770,108, A>G on the plus strand (T>C on the coding strand, the complement: HIVEP2 is on the minus strand). VCF-style: chr6-142770108-A-G. GRCh37 (hg19) VCF-style: chr6-143091245-A-G.
Other names: short protein forms L1544P.
Identifiers: ClinVar variation 2766739 (VCV002766739.3), dbSNP rs2482820979, ClinGen allele CA365898975.

ClinVar aggregate classification (germline): Uncertain significance (1 of 4 stars; one submission).

Submission:

Labcorp Genetics (formerly Invitae), Labcorp
Classification: Uncertain significance. Last evaluated: 2024-02-26. Review status: criteria provided, single submitter. Criteria: Invitae Variant Classification Sherloc (09022015). Collection method: clinical testing. Allele origin: germline.
Comment: This sequence change replaces leucine, which is neutral and non-polar, with proline, which is neutral and non-polar, at codon 1544 of the HIVEP2 protein (p.Leu1544Pro). This variant is not present in population databases (gnomAD no frequency). This variant has not been reported in the literature in individuals affected with HIVEP2-related conditions. An algorithm developed to predict the effect of missense changes on protein structure and function (PolyPhen-2) suggests that this variant is likely to be disruptive. In summary, the available evidence is currently insufficient to determine the role of this variant in disease. Therefore, it has been classified as a Variant of Uncertain Significance.